The following is an entry in ClinVar:

ClinVar aggregate classification (germline): Uncertain significance (1 of 4 stars; one submission).

Conditions:
Nemaline myopathy 2 (NEM2). Also called: Nemaline myopathy 2, autosomal recessive. Identifiers: MedGen C1850569, MONDO:0009725, OMIM 256030.

Submission:

Labcorp Genetics (formerly Invitae), Labcorp
Classification: Uncertain significance for Nemaline myopathy 2. Last evaluated: 2022-02-10. Review status: criteria provided, single submitter. Criteria: Invitae Variant Classification Sherloc (09022015). Collection method: clinical testing. Allele origin: germline.
Comment: In summary, the available evidence is currently insufficient to determine the role of this variant in disease. Therefore, it has been classified as a Variant of Uncertain Significance. This sequence change replaces leucine, which is neutral and non-polar, with proline, which is neutral and non-polar, at codon 3833 of the NEB protein (p.Leu3833Pro). This variant is not present in population databases (gnomAD no frequency). This variant has not been reported in the literature in individuals affected with NEB-related conditions. ClinVar contains an entry for this variant (Variation ID: 856782). Algorithms developed to predict the effect of missense changes on protein structure and function are either unavailable or do not agree on the potential impact of this missense change (SIFT: "Deleterious"; PolyPhen-2: "Not Available"; Align-GVGD: "Class C0").

NM_001164508.2(NEB):c.11498T>C (p.Leu3833Pro)

Gene: NEB (nebulin; minus strand). Cytogenetic location: 2q23.3.
Variant type: single nucleotide variant.
Coding change: c.11498T>C on transcript NM_001164508.2 (MANE Select); coding-DNA position 11498, T replaced by C.
Protein change: p.Leu3833Pro; replaces leucine 3833 with proline.
Molecular consequence: missense variant.
Genome position (GRCh38, 1-based): chr2:151,614,379, A>G on the plus strand (T>C on the coding strand, the complement: NEB is on the minus strand). VCF-style: chr2-151614379-A-G. GRCh37 (hg19) VCF-style: chr2-152470893-A-G.
Other names: c.11498T>C, p.Leu3833Pro (NM_001164507.2, NM_001271208.2); c.10769T>C, p.Leu3590Pro (NM_004543.5); short protein forms L3833P, L3590P.
Identifiers: ClinVar variation 856782 (VCV000856782.8), dbSNP rs2098124760, ClinGen allele CA348781482.